The following is an entry in ClinVar:

ClinVar aggregate classification (germline): Uncertain significance. Review status: criteria provided, multiple submitters, no conflicts (2 of 4 stars). 3 submissions from 3 submitters: Uncertain significance (3). Last evaluated 2026-02-20.

Conditions:
Charcot-Marie-Tooth disease type 2. Also called: Charcot-Marie-Tooth type 2. Identifiers: Orphanet 64746, MedGen C0270914, MONDO:0018993.
Neuroblastoma, susceptibility to, 1. Identifiers: MedGen C2749485, MONDO:0009741, OMIM 256700.

Allele frequency attached by ClinVar (database versions not stated): gnomAD exomes below 0.00001 and 0.00002; gnomAD 0.00003 and 0.00002; TOPMed 0.00002.
gnomAD v4.1: 36 of 1,614,050 alleles (0.0022%); highest among the groups gnomAD compares: Non-Finnish European, 0.003%; no homozygotes.

Submissions (3):

St. Jude Molecular Pathology, St. Jude Children's Research Hospital
Classification: Uncertain significance for Neuroblastoma, susceptibility to, 1. Last evaluated: 2026-02-20. Review status: criteria provided, single submitter. Criteria: St. Jude Assertion Criteria 2020. Collection method: clinical testing. Allele origin: germline.
Comment: The KIF1B c.224A>G p.(Asn75Ser) missense change has a maximum subpopulation frequency of 0.00 088% in gnomAD v2.1.1. The in silico tool REVEL is inconclusive about a pathogenic or benign effect of this variant on protein function, and to our knowledge functional studies have not been performed. To our knowledge , this variant has not been reported in individuals with pheochromocytoma or neuroblastoma. In summary, the evidence currently available is insufficient to determine the clinical significance of this variant. It has therefore been classified as of uncertain significance.

Ambry Genetics
Classification: Uncertain significance. Last evaluated: 2025-04-07. Review status: criteria provided, single submitter. Criteria: Ambry Variant Classification Scheme 2023. Collection method: clinical testing. Allele origin: germline.
Comment: The p.N75S variant (also known as c.224A>G), located in coding exon 3 of the KIF1B gene, results from an A to G substitution at nucleotide position 224. The asparagine at codon 75 is replaced by serine, an amino acid with highly similar properties. This amino acid position is well conserved in available vertebrate species. In addition, this alteration is predicted to be tolerated by in silico analysis. The evidence for this gene-disease relationship is limited; therefore, the clinical significance of this alteration is unclear.

Labcorp Genetics (formerly Invitae), Labcorp
Classification: Uncertain significance for Charcot-Marie-Tooth disease type 2. Last evaluated: 2024-04-15. Review status: criteria provided, single submitter. Criteria: Invitae Variant Classification Sherloc (09022015). Collection method: clinical testing. Allele origin: germline.
Comment: This sequence change replaces asparagine, which is neutral and polar, with serine, which is neutral and polar, at codon 75 of the KIF1B protein (p.Asn75Ser). This variant is present in population databases (no rsID available, gnomAD 0.0009%). This variant has not been reported in the literature in individuals affected with KIF1B-related conditions. ClinVar contains an entry for this variant (Variation ID: 1439066). Advanced modeling of protein sequence and biophysical properties (such as structural, functional, and spatial information, amino acid conservation, physicochemical variation, residue mobility, and thermodynamic stability) performed at Invitae indicates that this missense variant is not expected to disrupt KIF1B protein function with a negative predictive value of 80%. In summary, the available evidence is currently insufficient to determine the role of this variant in disease. Therefore, it has been classified as a Variant of Uncertain Significance.

NM_001365951.3(KIF1B):c.224A>G (p.Asn75Ser)

Gene: KIF1B (kinesin family member 1B; plus strand). Cytogenetic location: 1p36.22.
Variant type: single nucleotide variant.
Coding change: c.224A>G on transcript NM_001365951.3 (MANE Select); coding-DNA position 224, A replaced by G.
Protein change: p.Asn75Ser; replaces asparagine 75 with serine.
Molecular consequence: missense variant.
Genome position (GRCh38, 1-based): chr1:10,258,533, A>G. VCF-style: chr1-10258533-A-G. GRCh37 (hg19) VCF-style: chr1-10318591-A-G.
Other names: c.224A>G, p.Asn75Ser (NM_001365952.1, NM_001365953.1, NM_015074.3 and 1 more transcripts); short protein forms N75S.
Identifiers: ClinVar variation 1439066 (VCV001439066.10), dbSNP rs1048688213, ClinGen allele CA17832785.